The following is an entry in ClinVar:

NM_001080466.2(BTBD17):c.378G>A (p.Gly126=)

Gene: BTBD17 (BTB domain containing 17; minus strand). Cytogenetic location: 17q25.1.
Variant type: single nucleotide variant.
Coding change: c.378G>A on transcript NM_001080466.2 (MANE Select); coding-DNA position 378, G replaced by A.
Protein change: p.Gly126=; no amino-acid change (glycine 126 retained).
Molecular consequence: synonymous variant.
Genome position (GRCh38, 1-based): chr17:74,357,716, C>T on the plus strand (G>A on the coding strand, the complement: BTBD17 is on the minus strand). VCF-style: chr17-74357716-C-T. GRCh37 (hg19) VCF-style: chr17-72353855-C-T.
Identifiers: ClinVar variation 4084468 (VCV004084468.8).

ClinVar aggregate classification (germline): Likely benign (1 of 4 stars; one submission).

Submission:

CeGaT Center for Human Genetics Tuebingen
Classification: Likely benign. Last evaluated: 2026-08-01. Review status: criteria provided, single submitter. Criteria: CeGaT Center For Human Genetics Tuebingen Variant Classification Criteria Version 2. Collection method: clinical testing. Allele origin: germline. Affected: yes. Observed: 4 variant alleles.
Comment: BTBD17: PM2:Supporting, BP4, BP7